The following is an entry in ClinVar:

NM_001064.4(TKT):c.1540G>A (p.Glu514Lys)

Genes: TKT (transketolase; minus strand), LOC126806684 (CDK7 strongly-dependent group 2 enhancer GRCh37_chr3:53261945-53263144; plus strand). Cytogenetic location: 3p21.1.
Variant type: single nucleotide variant.
Coding change: c.1540G>A on transcript NM_001064.4 (MANE Select); coding-DNA position 1540, G replaced by A.
Protein change: p.Glu514Lys; replaces glutamic acid 514 with lysine.
Molecular consequence: missense variant. On other transcripts: non-coding transcript variant (1).
Genome position (GRCh38, 1-based): chr3:53,228,089, C>T on the plus strand (G>A on the coding strand, the complement: TKT is on the minus strand). VCF-style: chr3-53228089-C-T. GRCh37 (hg19) VCF-style: chr3-53262105-C-T.
Other names: c.1540G>A, p.Glu514Lys (NM_001135055.3); c.1564G>A, p.Glu522Lys (NM_001258028.2); short protein forms E522K, E514K.
Identifiers: ClinVar variation 1033727 (VCV001033727.1), dbSNP rs762983878, ClinGen allele CA353230736.

ClinVar aggregate classification (germline): Uncertain significance (1 of 4 stars; one submission).

Conditions:
Transketolase deficiency. Also called: Short stature, developmental delay, and congenital heart defects. Identifiers: Orphanet 488618, MedGen C5700245, MONDO:0014881, OMIM 617044.

Allele frequency attached by ClinVar (database versions not stated): gnomAD 0.00001; TOPMed 0.00001.
gnomAD v4.1: 4 of 1,613,300 alleles (0.00025%); highest among the groups gnomAD compares: Non-Finnish European, 0.00025%; no homozygotes.

Submission:

Baylor Genetics
Classification: Uncertain significance for Transketolase deficiency. Last evaluated: 2018-06-01. Review status: criteria provided, single submitter. Criteria: ACMG Guidelines, 2015. Collection method: clinical testing. Allele origin: unknown. Affected: yes.
Comment: This variant was determined to be of uncertain significance according to ACMG Guidelines, 2015 [PMID:25741868].